The following is an entry in ClinVar:

ClinVar aggregate classification (germline): Pathogenic (1 of 4 stars; one submission).

Conditions:
Neurofibromatosis, type 1 (NF1). Also called: Peripheral type neurofibromatosis; VON RECKLINGHAUSEN DISEASE; NEUROFIBROMATOSIS, TYPE I, SOMATIC; Neurofibromatosis, type I. Identifiers: Orphanet 636, MedGen C0027831, MONDO:0018975, OMIM 162200. Disease mechanism: loss of function.

Submission:

Labcorp Genetics (formerly Invitae), Labcorp
Classification: Pathogenic for Neurofibromatosis, type 1. Last evaluated: 2024-05-23. Review status: criteria provided, single submitter. Criteria: Invitae Variant Classification Sherloc (09022015). Collection method: clinical testing. Allele origin: germline.
Comment: This sequence change creates a premature translational stop signal (p.His501Serfs*10) in the NF1 gene. It is expected to result in an absent or disrupted protein product. Loss-of-function variants in NF1 are known to be pathogenic (PMID: 10712197, 23913538). This variant is not present in population databases (gnomAD no frequency). This variant has not been reported in the literature in individuals affected with NF1-related conditions. For these reasons, this variant has been classified as Pathogenic.

Literature cited by the submitters: PubMed 10712197; PubMed 23913538.

NM_001042492.3(NF1):c.1500dup (p.His501fs)

Gene: NF1 (neurofibromin 1; plus strand). Cytogenetic location: 17q11.2.
Variant type: Duplication.
Coding change: c.1500dup on transcript NM_001042492.3 (MANE Select); coding-DNA position 1500, one base duplicated (T; older notation c.1500dupT).
Protein change: p.His501fs; shifts the reading frame from histidine 501.
Molecular consequence: frameshift variant.
Genome position (GRCh38, 1-based): chr17:31,214,558, T duplicated; the last of 2 consecutive T bases (chr17:31,214,557-31,214,558); duplicating either gives the same sequence. VCF-style (leftmost placement, unchanged base first): chr17-31214556-A-AT. GRCh37 (hg19) VCF-style: chr17-29541574-A-AT.
Other names: c.1500dup, p.His501Serfs (NM_000267.4); c.1500dup, p.His501fs (NM_001128147.3); short protein forms H501fs.
Identifiers: ClinVar variation 3654341 (VCV003654341.2).